The following is an entry in ClinVar:

NM_001875.5(CPS1):c.2376G>C (p.Met792Ile)

Gene: CPS1 (carbamoyl-phosphate synthase 1; plus strand). Cytogenetic location: 2q34.
Variant type: single nucleotide variant.
Coding change: c.2376G>C on transcript NM_001875.5 (MANE Select); coding-DNA position 2376, G replaced by C.
Protein change: p.Met792Ile; replaces methionine 792 with isoleucine.
Molecular consequence: missense variant. On other transcripts: non-coding transcript variant (2).
Genome position (GRCh38, 1-based): chr2:210,608,544, G>C. VCF-style: chr2-210608544-G-C. GRCh37 (hg19) VCF-style: chr2-211473268-G-C.
Other names: c.2376G>C (LRG_336t1); c.2376G>C, p.Met792Ile (NM_001122633.3, NM_001369257.1); c.2409G>C, p.Met803Ile (NM_001369256.1); short protein forms M792I, M803I.
Identifiers: ClinVar variation 544153 (VCV000544153.8), dbSNP rs1553513429, ClinGen allele CA350439809.

ClinVar aggregate classification (germline): Likely pathogenic (1 of 4 stars; one submission).

Conditions:
Congenital hyperammonemia, type I. Also called: Carbamoyl phosphate synthetase 1 deficiency; Hyperammonemia due to carbamoyl phosphate synthetase 1 deficiency; CPS 1 deficiency; Carbamyl phosphate synthetase (CPS) deficiency; Carbamoyl-phosphate synthase I deficiency; Carbamoyl phosphate synthetase I deficiency disease. Identifiers: Orphanet 147, MedGen C4082171, MONDO:0009376, OMIM 237300.

Allele frequency attached by ClinVar (database versions not stated): gnomAD exomes 0.00001.
gnomAD v4.1: 3 of 1,611,946 alleles (0.00019%); highest among the groups gnomAD compares: South Asian, 0.0033%; no homozygotes.

Submission:

Labcorp Genetics (formerly Invitae), Labcorp
Classification: Likely pathogenic for Congenital hyperammonemia, type I. Last evaluated: 2022-06-09. Review status: criteria provided, single submitter. Criteria: Invitae Variant Classification Sherloc (09022015). Collection method: clinical testing. Allele origin: germline.
Comment: This missense change has been observed in individuals with carbamoyl phosphate synthetase I deficiency (CPSID) (PMID: 21120950, 28007335; Invitae). It has also been observed to segregate with disease in related individuals. In summary, the currently available evidence indicates that the variant is pathogenic, but additional data are needed to prove that conclusively. Therefore, this variant has been classified as Likely Pathogenic. Experimental studies have shown that this missense change affects CPS1 function (PMID: 28007335). Algorithms developed to predict the effect of missense changes on protein structure and function are either unavailable or do not agree on the potential impact of this missense change (SIFT: "Deleterious"; PolyPhen-2: "Benign"; Align-GVGD: "Class C0"). ClinVar contains an entry for this variant (Variation ID: 544153). This variant is not present in population databases (gnomAD no frequency). This sequence change replaces methionine, which is neutral and non-polar, with isoleucine, which is neutral and non-polar, at codon 792 of the CPS1 protein (p.Met792Ile).

Literature cited by the submitters: PubMed 21120950; PubMed 28007335.